The following is an entry in ClinVar:

NM_001330260.2(SCN8A):c.1980C>T (p.Gly660=)

Gene: SCN8A (sodium voltage-gated channel alpha subunit 8; plus strand). Cytogenetic location: 12q13.13.
Variant type: single nucleotide variant.
Coding change: c.1980C>T on transcript NM_001330260.2 (MANE Select); coding-DNA position 1980, C replaced by T.
Protein change: p.Gly660=; no amino-acid change (glycine 660 retained).
Molecular consequence: synonymous variant.
Genome position (GRCh38, 1-based): chr12:51,721,890, C>T. VCF-style: chr12-51721890-C-T. GRCh37 (hg19) VCF-style: chr12-52115674-C-T.
Other names: c.1980C>T, p.Gly660= (NM_001177984.3, NM_001369788.1, NM_014191.4).
Identifiers: ClinVar variation 5005127 (VCV005005127.2).

ClinVar aggregate classification (germline): Uncertain significance (1 of 4 stars; one submission).

Conditions:
Seizures, benign familial infantile, 5 (BFIS5). Also called: CONVULSIONS, BENIGN FAMILIAL INFANTILE, 5. Identifiers: Orphanet 306, MedGen C4310728, MONDO:0014903, OMIM 617080.
Cognitive impairment with or without cerebellar ataxia (CIAT). Identifiers: MedGen C3280415, MONDO:0013680, OMIM 614306.
Developmental and epileptic encephalopathy, 13 (DEE13). Also called: Early infantile epileptic encephalopathy 13; SCN8A-Related Epilepsy; Developmental and Epileptic Encephalopathy (SCN8A-DEE). Identifiers: Orphanet 442835, MedGen C3281191, MONDO:0013801, OMIM 614558.
Myoclonus, familial, 2. Identifiers: MedGen C5193056, MONDO:0100092, OMIM 618364.

gnomAD v4.1: 1 of 1,600,672 alleles (0.000062%); highest among the groups gnomAD compares: South Asian, 0.0011%; no homozygotes.

Submission:

Juno Genomics, Hangzhou Juno Genomics, Inc
Classification: Uncertain significance for Myoclonus, familial, 2; Cognitive impairment with or without cerebellar ataxia; Developmental and epileptic encephalopathy, 13; Seizures, benign familial infantile, 5. Review status: criteria provided, single submitter. Criteria: ACMG Guidelines, 2015. Collection method: clinical testing. Allele origin: germline.
Comment: Absent from controls (or at extremely low frequency if recessive) in Genome Aggregation Database.;Multiple lines of computational evidence support a deleterious effect on the gene or gene product.